The following is an entry in ClinVar:

NM_001184.4(ATR):c.7273C>T (p.Arg2425Ter)

Gene: ATR (ATR checkpoint kinase; minus strand). Cytogenetic location: 3q23.
Variant type: single nucleotide variant.
Coding change: c.7273C>T on transcript NM_001184.4 (MANE Select); coding-DNA position 7273, C replaced by T.
Protein change: p.Arg2425Ter; replaces arginine 2425 with a stop codon.
Molecular consequence: nonsense.
Genome position (GRCh38, 1-based): chr3:142,459,303, G>A on the plus strand (C>T on the coding strand, the complement: ATR is on the minus strand). VCF-style: chr3-142459303-G-A. GRCh37 (hg19) VCF-style: chr3-142178145-G-A.
Other names: c.7081C>T, p.Arg2361Ter (NM_001354579.2); short protein forms R2425*, R2361*.
Identifiers: ClinVar variation 930484 (VCV000930484.43), dbSNP rs1310011888, ClinGen allele CA354797578.

ClinVar aggregate classification (germline): Conflicting classifications of pathogenicity. Review status: criteria provided, conflicting classifications (1 of 4 stars). 3 submissions from 3 submitters: Pathogenic (1); Likely pathogenic (1); Uncertain significance (1). Last evaluated 2021-10-01.

Conditions:
Seckel syndrome 1 (SCKL1). Also called: MICROCEPHALIC PRIMORDIAL DWARFISM I. Identifiers: Orphanet 808, MedGen C4551474, MONDO:0008869, OMIM 210600.

Allele frequency attached by ClinVar (database versions not stated): gnomAD exomes 0.00001; TOPMed 0.00002.
gnomAD v4.1: 12 of 1,613,908 alleles (0.00074%); highest among the groups gnomAD compares: African/African-American, 0.0013%; no homozygotes.

Submissions (3):

CeGaT Center for Human Genetics Tuebingen
Classification: Uncertain significance. Last evaluated: 2021-10-01. Review status: criteria provided, single submitter. Criteria: CeGaT Center For Human Genetics Tuebingen Variant Classification Criteria Version 2. Collection method: clinical testing. Allele origin: germline. Affected: yes. Observed: 2 variant alleles.

Labcorp Genetics (formerly Invitae), Labcorp
Classification: Pathogenic. Last evaluated: 2020-11-17. Review status: criteria provided, single submitter. Criteria: Invitae Variant Classification Sherloc (09022015). Collection method: clinical testing. Allele origin: germline.
Comment: This sequence change creates a premature translational stop signal (p.Arg2425*) in the ATR gene. It is expected to result in an absent or disrupted protein product. Loss-of-function variants in ATR are known to be pathogenic (PMID: 21228398, 23144622). This variant is not present in population databases (ExAC no frequency). This variant has not been reported in the literature in individuals with ATR-related conditions. ClinVar contains an entry for this variant (Variation ID: 930484). For these reasons, this variant has been classified as Pathogenic.

Centre for Mendelian Genomics, University Medical Centre Ljubljana
Classification: Likely pathogenic for Seckel syndrome 1. Last evaluated: 2019-10-01. Review status: criteria provided, single submitter. Criteria: ACMG Guidelines, 2015. Collection method: clinical testing. Allele origin: unknown. Affected: yes.
Comment: This variant was classified as: Likely pathogenic. The following ACMG criteria were applied in classifying this variant: PVS1,PM2.

Literature cited by the submitters: PubMed 21228398 (cited by Labcorp Genetics (formerly Invitae), Labcorp); PubMed 23144622 (cited by Labcorp Genetics (formerly Invitae), Labcorp).